The following is an entry in ClinVar:

ClinVar aggregate classification (germline): Uncertain significance (1 of 4 stars; one submission).

gnomAD v4.1: 18 of 1,611,958 alleles (0.0011%); highest among the groups gnomAD compares: Admixed American, 0.03%; no homozygotes.

Submission:

Labcorp Genetics (formerly Invitae), Labcorp
Classification: Uncertain significance. Last evaluated: 2025-11-14. Review status: criteria provided, single submitter. Criteria: Invitae Variant Classification Sherloc (09022015). Collection method: clinical testing. Allele origin: germline.
Comment: This sequence change replaces histidine, which is basic and polar, with asparagine, which is neutral and polar, at codon 282 of the SIM1 protein (p.His282Asn). This variant is present in population databases (no rsID available, gnomAD 0.02%). This variant has not been reported in the literature in individuals affected with SIM1-related conditions. An algorithm developed to predict the effect of missense changes on protein structure and function (PolyPhen-2) suggests that this variant is likely to be tolerated. In summary, the available evidence is currently insufficient to determine the role of this variant in disease. Therefore, it has been classified as a Variant of Uncertain Significance.

NM_005068.3(SIM1):c.844C>A (p.His282Asn)

Gene: SIM1 (SIM bHLH transcription factor 1; minus strand). Cytogenetic location: 6q16.3.
Variant type: single nucleotide variant.
Coding change: c.844C>A on transcript NM_005068.3 (MANE Select); coding-DNA position 844, C replaced by A.
Protein change: p.His282Asn; replaces histidine 282 with asparagine.
Molecular consequence: missense variant.
Genome position (GRCh38, 1-based): chr6:100,448,152, G>T on the plus strand (C>A on the coding strand, the complement: SIM1 is on the minus strand). VCF-style: chr6-100448152-G-T. GRCh37 (hg19) VCF-style: chr6-100896028-G-T.
Other names: c.844C>A, p.His282Asn (NM_001374769.1); short protein forms H282N.
Identifiers: ClinVar variation 4807049 (VCV004807049.1).